The following continues an entry in ClinVar:

NM_014874.4(MFN2):c.839G>A (p.Arg280His)

Gene: MFN2. ClinVar aggregate classification (germline): Pathogenic/Likely pathogenic. Pathogenic (13); Likely pathogenic (1).

Submissions 13 to 18 of 18:

Juno Genomics, Hangzhou Juno Genomics, Inc
Classification: Pathogenic for Charcot-Marie-Tooth disease type 2A2. Review status: criteria provided, single submitter. Criteria: ACMG Guidelines, 2015. Collection method: clinical testing. Allele origin: germline. Affected: yes.
Comment: Absent from controls (or at extremely low frequency if recessive) in Genome Aggregation Database.;Multiple lines of computational evidence support a deleterious effect on the gene or gene product.;The prevalence of the variant in affected individuals is significantly increased compared to the prevalence in controls.;Patient's phenotype or family history is highly specific for a disease with a single genetic etiology.;Assumed de novo, but without confirmation of paternity and maternity.;Co-segregation with disease in multiple affected family members.

Molecular Genetics Laboratory, London Health Sciences Centre
Classification: Pathogenic for Charcot-Marie-Tooth disease. Review status: criteria provided, single submitter. Criteria: ACMG Guidelines, 2015. Collection method: clinical testing. Allele origin: germline. Affected: yes.

Solve-RD Consortium
Classification: Likely pathogenic for Charcot-Marie-Tooth disease type 2A2. Last evaluated: 2022-06-01. Review status: no assertion criteria provided. Collection method: provider interpretation. Allele origin: inherited. Affected: yes. Not counted in ClinVar's aggregate classification.
Comment: Variant confirmed as disease-causing by referring clinical team

Variant identified during reanalysis of unsolved cases by the Solve-RD project. The Solve-RD project has received funding from the European Union’s Horizon 2020 research and innovation programme under grant agreement No 779257.

OMIM
Classification: Pathogenic for CHARCOT-MARIE-TOOTH DISEASE, AXONAL, TYPE 2A2A. Last evaluated: 2006-08-01. Review status: no assertion criteria provided. Collection method: literature only. Allele origin: germline. Not counted in ClinVar's aggregate classification.

Inherited Neuropathy Consortium
Classification: Pathogenic for Charcot-Marie-Tooth disease. Review status: no assertion criteria provided. Collection method: literature only. Allele origin: germline. Affected: yes. Not counted in ClinVar's aggregate classification.

Next Generation Genetic Polyclinic
Classification: Pathogenic for Charcot-Marie-Tooth disease, axonal, autosomal recessive, type 2a2b;. Review status: no assertion criteria provided. Collection method: clinical testing. Allele origin: inherited. Affected: yes. Not counted in ClinVar's aggregate classification.

Literature cited by the submitters: PubMed 15064763 (cited by 4 submitters); PubMed 16835246 (cited by 5 submitters); PubMed 24957169 (cited by 3 submitters); PubMed 27088055 (cited by 3 submitters); PubMed 27549087 (cited by 3 submitters); PubMed 17215403 (cited by 3 submitters); PubMed 17296794 (cited by 4 submitters); PubMed 37712079 (cited by Clinical Omics and Informatics (COIN) Unit, Neuroscience Institute, University Of Cape Town); PubMed 16714318 (cited by 4 submitters); PubMed 17215402 (cited by Clinical Omics and Informatics (COIN) Unit, Neuroscience Institute, University Of Cape Town); PubMed 31372974 (cited by Athena Diagnostics); PubMed 26989944 (cited by Athena Diagnostics); PubMed 30340945 (cited by Athena Diagnostics); PubMed 31211173 (cited by Athena Diagnostics); PubMed 31832804 (cited by Athena Diagnostics); PubMed 24863639 (cited by Athena Diagnostics and Laboratório de Neurologia Aplicada e Experimental, Faculdade de Medicina de Ribeirao Preto – Universidade de Sao Paulo); PubMed 27025386 (cited by Athena Diagnostics and Laboratório de Neurologia Aplicada e Experimental, Faculdade de Medicina de Ribeirao Preto – Universidade de Sao Paulo); PubMed 22492563 (cited by Athena Diagnostics and Laboratório de Neurologia Aplicada e Experimental, Faculdade de Medicina de Ribeirao Preto – Universidade de Sao Paulo); PubMed 18602827 (cited by Athena Diagnostics and Laboratório de Neurologia Aplicada e Experimental, Faculdade de Medicina de Ribeirao Preto – Universidade de Sao Paulo); PubMed 21772703 (cited by Athena Diagnostics and Laboratório de Neurologia Aplicada e Experimental, Faculdade de Medicina de Ribeirao Preto – Universidade de Sao Paulo); PubMed 28660751 (cited by Athena Diagnostics and Laboratório de Neurologia Aplicada e Experimental, Faculdade de Medicina de Ribeirao Preto – Universidade de Sao Paulo); PubMed 27027447 (cited by Athena Diagnostics and Laboratório de Neurologia Aplicada e Experimental, Faculdade de Medicina de Ribeirao Preto – Universidade de Sao Paulo); PubMed 21149811 (cited by Laboratório de Neurologia Aplicada e Experimental, Faculdade de Medicina de Ribeirao Preto – Universidade de Sao Paulo); PubMed 10732809 (cited by Laboratório de Neurologia Aplicada e Experimental, Faculdade de Medicina de Ribeirao Preto – Universidade de Sao Paulo and OMIM); PubMed 28286897 (cited by Laboratório de Neurologia Aplicada e Experimental, Faculdade de Medicina de Ribeirao Preto – Universidade de Sao Paulo); PubMed 27863451 (cited by Laboratório de Neurologia Aplicada e Experimental, Faculdade de Medicina de Ribeirao Preto – Universidade de Sao Paulo); PubMed 27265096 (cited by Laboratório de Neurologia Aplicada e Experimental, Faculdade de Medicina de Ribeirao Preto – Universidade de Sao Paulo); PubMed 39825153 (cited by Solve-RD Consortium).